The following is an entry in ClinVar:

NM_001282531.3(ADNP):c.-2C>A

Gene: ADNP (activity dependent neuroprotector homeobox; minus strand). Cytogenetic location: 20q13.13.
Variant type: single nucleotide variant.
Coding change: c.-2C>A on transcript NM_001282531.3 (MANE Select); 2 bases upstream of the start codon, C replaced by A.
Molecular consequence: 5 prime UTR variant.
Genome position (GRCh38, 1-based): chr20:50,903,998, G>T on the plus strand (C>A on the coding strand, the complement: ADNP is on the minus strand). VCF-style: chr20-50903998-G-T. GRCh37 (hg19) VCF-style: chr20-49520535-G-T.
Other names: c.-2C>A (NM_001282532.2, NM_001347511.2, NM_015339.5 and 1 more transcripts).
Identifiers: ClinVar variation 2502008 (VCV002502008.1), dbSNP rs1982233068, ClinGen allele CA2368744116.

ClinVar aggregate classification (germline): Uncertain significance (1 of 4 stars; one submission).

gnomAD v4.1: 1 of 1,609,790 alleles (0.000062%); highest among the groups gnomAD compares: African/African-American, 0.0013%; no homozygotes.

Submission:

GeneDx
Classification: Uncertain significance. Last evaluated: 2022-11-09. Review status: criteria provided, single submitter. Criteria: GeneDx Variant Classification Process June 2021. Collection method: clinical testing. Allele origin: germline. Affected: yes.
Comment: The variant alters a conserved residue located in the Kozak sequence, which plays a role in the initiation of protein translation. However, in the absence of functional studies, the actual effect of the variant is uncertain.; To our knowledge, no regulatory variants have been reported in the ADNP gene in association with ADNP-related neurodevelopmental disorder with multiple anomalies (Stenson et al., 2014).; Has not been previously published as pathogenic or benign to our knowledge; Not observed at significant frequency in large population cohorts (gnomAD)